The following is an entry in ClinVar:

ClinVar aggregate classification (germline): Uncertain significance (1 of 4 stars; one submission).

Conditions:
Fibrous dysplasia of jaw (CRBM). Also called: Cherubism. Identifiers: Orphanet 184, MedGen C0008029, MONDO:0007315, OMIM 118400.

Submission:

Labcorp Genetics (formerly Invitae), Labcorp
Classification: Uncertain significance for Fibrous dysplasia of jaw. Last evaluated: 2025-12-17. Review status: criteria provided, single submitter. Criteria: Invitae Variant Classification Sherloc (09022015). Collection method: clinical testing. Allele origin: germline.
Comment: This sequence change replaces threonine, which is neutral and polar, with alanine, which is neutral and non-polar, at codon 474 of the SH3BP2 protein (p.Thr474Ala). This variant is not present in population databases (gnomAD no frequency). This variant has not been reported in the literature in individuals affected with SH3BP2-related conditions. Invitae Evidence Modeling of protein sequence and biophysical properties (such as structural, functional, and spatial information, amino acid conservation, physicochemical variation, residue mobility, and thermodynamic stability) indicates that this missense variant is not expected to disrupt SH3BP2 protein function with a negative predictive value of 95%. In summary, the available evidence is currently insufficient to determine the role of this variant in disease. Therefore, it has been classified as a Variant of Uncertain Significance.

NM_001122681.2(SH3BP2):c.1420A>G (p.Thr474Ala)

Gene: SH3BP2 (SH3 domain binding protein 2; plus strand). Cytogenetic location: 4p16.3.
Variant type: single nucleotide variant.
Coding change: c.1420A>G on transcript NM_001122681.2 (MANE Select); coding-DNA position 1420, A replaced by G.
Protein change: p.Thr474Ala; replaces threonine 474 with alanine.
Molecular consequence: missense variant.
Genome position (GRCh38, 1-based): chr4:2,832,344, A>G. VCF-style: chr4-2832344-A-G. GRCh37 (hg19) VCF-style: chr4-2834071-A-G.
Other names: c.1504A>G, p.Thr502Ala (NM_001145855.2); c.1591A>G, p.Thr531Ala (NM_001145856.2); c.1420A>G, p.Thr474Ala (NM_003023.4); short protein forms T474A, T531A, T502A.
Identifiers: ClinVar variation 4763609 (VCV004763609.1).